The following is an entry in ClinVar:

NM_182943.3(PLOD2):c.462T>G (p.Tyr154Ter)

Genes: PLOD2 (procollagen-lysine,2-oxoglutarate 5-dioxygenase 2; minus strand), LOC129389144 (MPRA-validated peak4856 silencer; plus strand). Cytogenetic location: 3q24.
Variant type: single nucleotide variant.
Coding change: c.462T>G on transcript NM_182943.3 (MANE Select); coding-DNA position 462, T replaced by G.
Protein change: p.Tyr154Ter; replaces tyrosine 154 with a stop codon.
Molecular consequence: nonsense.
Genome position (GRCh38, 1-based): chr3:146,110,325, A>C on the plus strand (T>G on the coding strand, the complement: PLOD2 is on the minus strand). VCF-style: chr3-146110325-A-C. GRCh37 (hg19) VCF-style: chr3-145828112-A-C.
Other names: c.462T>G, p.Tyr154Ter (NM_000935.3); short protein forms Y154*.
Identifiers: ClinVar variation 2119884 (VCV002119884.4), dbSNP rs2473328425, ClinGen allele CA354895353.

ClinVar aggregate classification (germline): Pathogenic (1 of 4 stars; one submission).

Submission:

Labcorp Genetics (formerly Invitae), Labcorp
Classification: Pathogenic. Last evaluated: 2023-05-15. Review status: criteria provided, single submitter. Criteria: Invitae Variant Classification Sherloc (09022015). Collection method: clinical testing. Allele origin: germline.
Comment: This variant is not present in population databases (gnomAD no frequency). This sequence change creates a premature translational stop signal (p.Tyr154*) in the PLOD2 gene. It is expected to result in an absent or disrupted protein product. Loss-of-function variants in PLOD2 are known to be pathogenic (PMID: 22689593, 25238597, 29178448). This variant has not been reported in the literature in individuals affected with PLOD2-related conditions. For these reasons, this variant has been classified as Pathogenic. ClinVar contains an entry for this variant (Variation ID: 2119884).

Literature cited by the submitters: PubMed 22689593; PubMed 25238597; PubMed 29178448.